The following is an entry in ClinVar:

ClinVar aggregate classification (germline): Uncertain significance (1 of 4 stars; one submission).

Allele frequency attached by ClinVar (database versions not stated): gnomAD 0.00001; gnomAD exomes 0.00001.

Submission:

Labcorp Genetics (formerly Invitae), Labcorp
Classification: Uncertain significance. Last evaluated: 2025-06-27. Review status: criteria provided, single submitter. Criteria: Invitae Variant Classification Sherloc (09022015). Collection method: clinical testing. Allele origin: germline.
Comment: This sequence change replaces arginine, which is basic and polar, with cysteine, which is neutral and slightly polar, at codon 151 of the COL11A2 protein (p.Arg151Cys). This variant is present in population databases (no rsID available, gnomAD 0.007%). This variant has not been reported in the literature in individuals affected with COL11A2-related conditions. ClinVar contains an entry for this variant (Variation ID: 1358499). Invitae Evidence Modeling of protein sequence and biophysical properties (such as structural, functional, and spatial information, amino acid conservation, physicochemical variation, residue mobility, and thermodynamic stability) indicates that this missense variant is not expected to disrupt COL11A2 protein function with a negative predictive value of 95%. In summary, the available evidence is currently insufficient to determine the role of this variant in disease. Therefore, it has been classified as a Variant of Uncertain Significance.

NM_080680.3(COL11A2):c.451C>T (p.Arg151Cys)

Gene: COL11A2 (collagen type XI alpha 2 chain; minus strand). Cytogenetic location: 6p21.32.
Variant type: single nucleotide variant.
Coding change: c.451C>T on transcript NM_080680.3 (MANE Select); coding-DNA position 451, C replaced by T.
Protein change: p.Arg151Cys; replaces arginine 151 with cysteine.
Molecular consequence: missense variant.
Genome position (GRCh38, 1-based): chr6:33,188,517, G>A on the plus strand (C>T on the coding strand, the complement: COL11A2 is on the minus strand). VCF-style: chr6-33188517-G-A. GRCh37 (hg19) VCF-style: chr6-33156294-G-A.
Other names: c.451C>T, p.Arg151Cys (NM_001163771.2, NM_080679.3, NM_080681.3); short protein forms R151C.
Identifiers: ClinVar variation 1358499 (VCV001358499.6), dbSNP rs1443532726, ClinGen allele CA363611934.
Genomic context (GRCh38, chr6:33,188,517, plus strand): 5'-CTCGCTTCTTGCAGTCAACAATGAGGGTGACAGACTGGCCCTTCACAGCCACAGCCACAC[G>A]GTGCCACCTGGAAATGGTGGAAGAGGTTCAAGTGAACTCTTGGCTGACTGAAGTAGGGGA-3'
Protein context (NP_542411.2, residues 141-161): GLSLADGKWH[Arg151Cys]VAVAVKGQSV